The following is an entry in ClinVar:

NM_005188.4(CBL):c.643A>G (p.Ile215Val)

Gene: CBL (Cbl proto-oncogene; plus strand). Cytogenetic location: 11q23.3.
Variant type: single nucleotide variant.
Coding change: c.643A>G on transcript NM_005188.4 (MANE Select); coding-DNA position 643, A replaced by G.
Protein change: p.Ile215Val; replaces isoleucine 215 with valine.
Molecular consequence: missense variant.
Genome position (GRCh38, 1-based): chr11:119,273,920, A>G. VCF-style: chr11-119273920-A-G. GRCh37 (hg19) VCF-style: chr11-119144630-A-G.
Other names: short protein forms I215V.
Identifiers: ClinVar variation 1987429 (VCV001987429.4), dbSNP rs760192666, ClinGen allele CA6318323.

ClinVar aggregate classification (germline): Uncertain significance (1 of 4 stars; one submission).

Conditions:
RASopathy. Also called: Noonan spectrum disorder; rasopathies. Identifiers: Orphanet 536391, MedGen C5555857, MONDO:0021060.

Allele frequency attached by ClinVar (database versions not stated): ExAC 0.00002; gnomAD 0.00003; TOPMed 0.00003; gnomAD exomes 0.00006.
gnomAD v4.1: 94 of 1,613,886 alleles (0.0058%); highest among the groups gnomAD compares: Non-Finnish European, 0.0072%; no homozygotes.

Submission:

Labcorp Genetics (formerly Invitae), Labcorp
Classification: Uncertain significance for RASopathy. Last evaluated: 2024-08-11. Review status: criteria provided, single submitter. Criteria: Invitae Variant Classification Sherloc (09022015). Collection method: clinical testing. Allele origin: germline.
Comment: This sequence change replaces isoleucine, which is neutral and non-polar, with valine, which is neutral and non-polar, at codon 215 of the CBL protein (p.Ile215Val). This variant is present in population databases (rs760192666, gnomAD 0.005%). This variant has not been reported in the literature in individuals affected with CBL-related conditions. ClinVar contains an entry for this variant (Variation ID: 1987429). Advanced modeling of protein sequence and biophysical properties (such as structural, functional, and spatial information, amino acid conservation, physicochemical variation, residue mobility, and thermodynamic stability) performed at Invitae indicates that this missense variant is not expected to disrupt CBL protein function with a negative predictive value of 95%. In summary, the available evidence is currently insufficient to determine the role of this variant in disease. Therefore, it has been classified as a Variant of Uncertain Significance.